The following is an entry in ClinVar:

ClinVar aggregate classification (germline): Conflicting classifications of pathogenicity. Review status: criteria provided, conflicting classifications (1 of 4 stars). 4 submissions from 4 submitters: Uncertain significance (1); Benign (1); Likely benign (1). 1 of the submissions does not count toward it. Last evaluated 2026-01-31.

Conditions:
LYST-related disorder. Also called: LYST-related condition.
Chédiak-Higashi syndrome (CHS). Also called: Chediak-Higashi Syndrome. Identifiers: Orphanet 167, MedGen C0007965, MONDO:0008963, OMIM 214500.

Allele frequency attached by ClinVar (database versions not stated): ExAC 0.00017; gnomAD exomes 0.00017 and 0.00009; TOPMed 0.00010 and 0.00012; gnomAD 0.00011; ESP Exome Variant Server 0.00015.
gnomAD v4.1: 155 of 1,614,042 alleles (0.0096%); highest among the groups gnomAD compares: East Asian, 0.022%; 1 homozygote.

Submissions (4):

Labcorp Genetics (formerly Invitae), Labcorp
Classification: Benign for Chédiak-Higashi syndrome. Last evaluated: 2026-01-31. Review status: criteria provided, single submitter. Criteria: Invitae Variant Classification Sherloc (09022015). Collection method: clinical testing. Allele origin: germline.

Blueprint Genetics
Classification: Likely benign. Last evaluated: 2024-02-14. Review status: criteria provided, single submitter. Criteria: ACMG Guidelines, 2015. Collection method: clinical testing. Allele origin: germline.

Illumina Laboratory Services, Illumina
Classification: Uncertain significance for Chédiak-Higashi syndrome. Last evaluated: 2018-01-13. Review status: criteria provided, single submitter. Criteria: ICSL Variant Classification Criteria 13 December 2019. Collection method: clinical testing. Allele origin: germline.

PreventionGenetics, part of Exact Sciences
Classification: Likely benign for LYST-related condition. Last evaluated: 2022-05-11. Review status: no assertion criteria provided. Collection method: clinical testing. Allele origin: germline. Not counted in ClinVar's aggregate classification.
Comment: This variant is classified as likely benign based on ACMG/AMP sequence variant interpretation guidelines (Richards et al. 2015 PMID: 25741868, with internal and published modifications).

NM_000081.4(LYST):c.2700A>G (p.Leu900=)

Gene: LYST (lysosomal trafficking regulator; minus strand). Cytogenetic location: 1q42.3.
Variant type: single nucleotide variant.
Coding change: c.2700A>G on transcript NM_000081.4 (MANE Select); coding-DNA position 2700, A replaced by G.
Protein change: p.Leu900=; no amino-acid change (leucine 900 retained).
Molecular consequence: synonymous variant.
Genome position (GRCh38, 1-based): chr1:235,806,436, T>C on the plus strand (A>G on the coding strand, the complement: LYST is on the minus strand). VCF-style: chr1-235806436-T-C. GRCh37 (hg19) VCF-style: chr1-235969736-T-C.
Other names: c.2700A>G, p.Leu900= (NM_001301365.1).
Identifiers: ClinVar variation 296418 (VCV000296418.18), dbSNP rs111463684, ClinGen allele CA1467231.